The following is an entry in ClinVar:

ClinVar aggregate classification (germline): Uncertain significance (0 of 4 stars; one submission).

Conditions:
ADCY3-related disorder. Also called: ADCY3-related condition.

Submission:

PreventionGenetics, part of Exact Sciences
Classification: Uncertain significance for ADCY3-related condition. Last evaluated: 2024-05-31. Review status: no assertion criteria provided. Collection method: clinical testing. Allele origin: germline.
Comment: The ADCY3 c.1468T>C variant is predicted to result in the amino acid substitution p.Tyr490His. To our knowledge, this variant has not been reported in the literature or in a large population database, indicating this variant is rare. At this time, the clinical significance of this variant is uncertain due to the absence of conclusive functional and genetic evidence.

NM_004036.5(ADCY3):c.1468T>C (p.Tyr490His)

Gene: ADCY3 (adenylate cyclase 3; minus strand). Cytogenetic location: 2p23.3.
Variant type: single nucleotide variant.
Coding change: c.1468T>C on transcript NM_004036.5 (MANE Select); coding-DNA position 1468, T replaced by C.
Protein change: p.Tyr490His; replaces tyrosine 490 with histidine.
Molecular consequence: missense variant.
Genome position (GRCh38, 1-based): chr2:24,838,510, A>G on the plus strand (T>C on the coding strand, the complement: ADCY3 is on the minus strand). VCF-style: chr2-24838510-A-G. GRCh37 (hg19) VCF-style: chr2-25061379-A-G.
Other names: c.1468T>C, p.Tyr490His (NM_001320613.2, NM_001377129.1, NM_001377130.1 and 1 more transcripts); c.1534T>C, p.Tyr512His (NM_001377128.1); c.745T>C, p.Tyr249His (NM_001377131.1); short protein forms Y249H, Y490H, Y512H.
Identifiers: ClinVar variation 3344716 (VCV003344716.1).